The following is an entry in ClinVar:

NM_021072.4(HCN1):c.2141C>T (p.Ala714Val)

Gene: HCN1 (hyperpolarization activated cyclic nucleotide gated potassium channel 1; minus strand). Cytogenetic location: 5p12.
Variant type: single nucleotide variant.
Coding change: c.2141C>T on transcript NM_021072.4 (MANE Select); coding-DNA position 2141, C replaced by T.
Protein change: p.Ala714Val; replaces alanine 714 with valine.
Molecular consequence: missense variant.
Genome position (GRCh38, 1-based): chr5:45,262,453, G>A on the plus strand (C>T on the coding strand, the complement: HCN1 is on the minus strand). VCF-style: chr5-45262453-G-A. GRCh37 (hg19) VCF-style: chr5-45262555-G-A.
Other names: short protein forms A714V.
Identifiers: ClinVar variation 4810557 (VCV004810557.1).
Genomic context (GRCh38, chr5:45,262,453, plus strand): 5'-GGCTGCTGTTGCATGAGTGACAGCTGGGAGGCGGTGGGGGAGGCATAGTGGAAAGTTCGA[G>A]CGGCCAGAGGGCTCTGTACAGGAGGGCTGCAGACCGCGGTGGTGTAGGAGCAGGGTGACA-3'
Protein context (NP_066550.2, residues 704-724): CSPPVQSPLA[Ala714Val]RTFHYASPTA

ClinVar aggregate classification (germline): Uncertain significance (1 of 4 stars; one submission).

Conditions:
Early-infantile DEE. Also called: Early infantile epileptic encephalopathy with suppression bursts; Early infantile epileptic encephalopathy; Ohtahara syndrome. Identifiers: Orphanet 1934, MedGen C0393706, MONDO:0800491.

gnomAD v4.1: 3 of 1,612,330 alleles (0.00019%); highest among the groups gnomAD compares: East Asian, 0.0067%; no homozygotes.

Submission:

Labcorp Genetics (formerly Invitae), Labcorp
Classification: Uncertain significance for Early-infantile DEE. Last evaluated: 2026-01-17. Review status: criteria provided, single submitter. Criteria: Invitae Variant Classification Sherloc (09022015). Collection method: clinical testing. Allele origin: germline.
Comment: This sequence change replaces alanine, which is neutral and non-polar, with valine, which is neutral and non-polar, at codon 714 of the HCN1 protein (p.Ala714Val). This variant is present in population databases (no rsID available, gnomAD 0.01%). This variant has not been reported in the literature in individuals affected with HCN1-related conditions. Invitae Evidence Modeling of protein sequence and biophysical properties (such as structural, functional, and spatial information, amino acid conservation, physicochemical variation, residue mobility, and thermodynamic stability) indicates that this missense variant is not expected to disrupt HCN1 protein function with a negative predictive value of 95%. In summary, the available evidence is currently insufficient to determine the role of this variant in disease. Therefore, it has been classified as a Variant of Uncertain Significance.